The following is an entry in ClinVar:

NM_020937.4(FANCM):c.4915A>G (p.Lys1639Glu)

Gene: FANCM (FA complementation group M; plus strand). Cytogenetic location: 14q21.2.
Variant type: single nucleotide variant.
Coding change: c.4915A>G on transcript NM_020937.4 (MANE Select); coding-DNA position 4915, A replaced by G.
Protein change: p.Lys1639Glu; replaces lysine 1639 with glutamic acid.
Molecular consequence: missense variant.
Genome position (GRCh38, 1-based): chr14:45,188,937, A>G. VCF-style: chr14-45188937-A-G. GRCh37 (hg19) VCF-style: chr14-45658140-A-G.
Other names: c.4837A>G, p.Lys1613Glu (NM_001308133.2); short protein forms K1613E, K1639E.
Identifiers: ClinVar variation 3637295 (VCV003637295.2).
Genomic context (GRCh38, chr14:45,188,937, plus strand): 5'-AGTGAAGAAGAAGTTTGTGTTGATTTTAACTTAATAACTGATGATTGCTTTGCAAATAGT[A>G]AAAAGTATAAAACTCGACGTGCAGTAATGCTAAAAGAAATGATGGAACAAAATTGTGCAC-3'
Protein context (NP_065988.1, residues 1629-1649): LITDDCFANS[Lys1639Glu]KYKTRRAVML

ClinVar aggregate classification (germline): Uncertain significance (1 of 4 stars; one submission).

Conditions:
Fanconi anemia (FA). Also called: Fanconi's anemia. Identifiers: Orphanet 84, MedGen C0015625, MeSH D005199, MONDO:0019391.

gnomAD v4.1: 1 of 1,613,994 alleles (0.000062%); highest among the groups gnomAD compares: South Asian, 0.0011%; no homozygotes.

Submission:

Labcorp Genetics (formerly Invitae), Labcorp
Classification: Uncertain significance for Fanconi anemia. Last evaluated: 2024-02-01. Review status: criteria provided, single submitter. Criteria: Invitae Variant Classification Sherloc (09022015). Collection method: clinical testing. Allele origin: germline.
Comment: This sequence change replaces lysine, which is basic and polar, with glutamic acid, which is acidic and polar, at codon 1639 of the FANCM protein (p.Lys1639Glu). This variant is not present in population databases (gnomAD no frequency). This variant has not been reported in the literature in individuals affected with FANCM-related conditions. An algorithm developed to predict the effect of missense changes on protein structure and function (PolyPhen-2) suggests that this variant is likely to be tolerated. In summary, the available evidence is currently insufficient to determine the role of this variant in disease. Therefore, it has been classified as a Variant of Uncertain Significance.